The following is an entry in ClinVar:

NM_000038.6(APC):c.5194A>C (p.Met1732Leu)

Gene: APC (APC regulator of Wnt signaling pathway; plus strand). Cytogenetic location: 5q22.2.
Variant type: single nucleotide variant.
Coding change: c.5194A>C on transcript NM_000038.6 (MANE Select); coding-DNA position 5194, A replaced by C.
Protein change: p.Met1732Leu; replaces methionine 1732 with leucine.
Molecular consequence: missense variant. On other transcripts: non-coding transcript variant (2).
Genome position (GRCh38, 1-based): chr5:112,840,788, A>C. VCF-style: chr5-112840788-A-C. GRCh37 (hg19) VCF-style: chr5-112176485-A-C.
Other names: c.4807A>C, p.Met1603Leu (NM_001407467.1, NM_001407469.1); c.4345A>C, p.Met1449Leu (NM_001407470.1, NM_001354906.2); c.4042A>C, p.Met1348Leu (NM_001407471.1, NM_001407472.1); c.5194A>C, p.Met1732Leu (NM_001354895.2, NM_001407450.1, NM_001127510.3); c.5248A>C, p.Met1750Leu (NM_001354896.2, NM_001407447.1, NM_001407448.1 and 1 more transcripts); c.5224A>C, p.Met1742Leu (NM_001354897.2); c.5119A>C, p.Met1707Leu (NM_001354898.2); c.5110A>C, p.Met1704Leu (NM_001354899.2); and 11 more; short protein forms M1348L, M1707L, M1641L, M1673L, M1704L, M1714L, M1742L, M1750L.
Identifiers: ClinVar variation 4056270 (VCV004056270.3).
Genomic context (GRCh38, chr5:112,840,788, plus strand): 5'-GAATTGGATGACAATAAAGCAGAGGAAGGTGATATTCTTGCAGAATGCATTAATTCTGCT[A>C]TGCCCAAAGGGAAAAGTCACAAGCCTTTCCGTGTGAAAAAGATAATGGACCAGGTCCAGC-3'
Protein context (NP_000029.2, residues 1722-1742): DILAECINSA[Met1732Leu]PKGKSHKPFR

ClinVar aggregate classification (germline): Uncertain significance. Review status: criteria provided, multiple submitters, no conflicts (2 of 4 stars). 3 submissions from 3 submitters: Uncertain significance (3). Last evaluated 2025-09-01.

Conditions:
Familial adenomatous polyposis 1 (FAP1). Also called: POLYPOSIS, ADENOMATOUS INTESTINAL; FAMILIAL ADENOMATOUS POLYPOSIS 1, ATTENUATED. Identifiers: MedGen C2713442, MONDO:0021056, OMIM 175100. Disease mechanism: loss of function.
Hereditary cancer-predisposing syndrome. Also called: Neoplastic Syndromes, Hereditary; Tumor predisposition; Hereditary neoplastic syndrome; Hereditary Cancer Syndrome. Identifiers: Orphanet 140162, MedGen C0027672, MeSH D009386, MONDO:0015356.

Submissions (3):

Ambry Genetics
Classification: Uncertain significance for Hereditary cancer-predisposing syndrome. Last evaluated: 2025-09-01. Review status: criteria provided, single submitter. Criteria: Ambry Variant Classification Scheme 2023. Collection method: clinical testing. Allele origin: germline.
Comment: The p.M1732L variant (also known as c.5194A>C), located in coding exon 15 of the APC gene, results from an A to C substitution at nucleotide position 5194. The methionine at codon 1732 is replaced by leucine, an amino acid with highly similar properties. This amino acid position is conserved. In addition, in silico predictors for this gene do not accurately predict pathogenicity. Based on the available evidence, the clinical significance of this variant remains unclear.

Color Diagnostics, LLC DBA Color Health
Classification: Uncertain significance for Hereditary cancer-predisposing syndrome. Last evaluated: 2025-08-05. Review status: criteria provided, single submitter. Criteria: ACMG Guidelines, 2015. Collection method: clinical testing. Allele origin: germline.
Comment: This missense variant replaces methionine with leucine at codon 1732 of the APC protein. Computational prediction suggests that this variant may not impact protein structure and function. To our knowledge, functional studies have not been reported for this variant. This variant has not been reported in individuals affected with APC-related disorders in the literature. This variant has not been identified in the general population by the Genome Aggregation Database (gnomAD). The available evidence is insufficient to determine the role of this variant in disease conclusively. Therefore, this variant is classified as a Variant of Uncertain Significance.

Molecular Pathology, Peter Maccallum Cancer Centre
Classification: Uncertain significance for Familial adenomatous polyposis 1. Last evaluated: 2024-01-25. Review status: criteria provided, single submitter. Criteria: ACMG Guidelines, 2015. Collection method: clinical testing. Allele origin: germline. Inheritance: Autosomal dominant inheritance.